The following is an entry in ClinVar:

NM_000038.6(APC):c.5269T>A (p.Ser1757Thr)

Gene: APC (APC regulator of Wnt signaling pathway; plus strand). Cytogenetic location: 5q22.2.
Variant type: single nucleotide variant.
Coding change: c.5269T>A on transcript NM_000038.6 (MANE Select); coding-DNA position 5269, T replaced by A.
Protein change: p.Ser1757Thr; replaces serine 1757 with threonine.
Molecular consequence: missense variant.
Genome position (GRCh38, 1-based): chr5:112,840,863, T>A. VCF-style: chr5-112840863-T-A. GRCh37 (hg19) VCF-style: chr5-112176560-T-A.
Other names: c.5269T>A, p.Ser1757Thr (NM_001127510.3, NM_001354895.2, NM_001407450.1); c.5215T>A, p.Ser1739Thr (NM_001127511.3); c.5323T>A, p.Ser1775Thr (NM_001354896.2, NM_001407447.1, NM_001407448.1 and 1 more transcripts); c.5299T>A, p.Ser1767Thr (NM_001354897.2); c.5194T>A, p.Ser1732Thr (NM_001354898.2); c.5185T>A, p.Ser1729Thr (NM_001354899.2); c.5146T>A, p.Ser1716Thr (NM_001354900.2); c.5092T>A, p.Ser1698Thr (NM_001354901.2, NM_001407453.1); and 11 more; short protein forms S1373T, S1474T, S1628T, S1716T, S1729T, S1750T, S1656T, S1674T.
Identifiers: ClinVar variation 1746478 (VCV001746478.2), dbSNP rs2533632784, ClinGen allele CA16032848.

ClinVar aggregate classification (germline): Uncertain significance (1 of 4 stars; one submission).

Conditions:
Hereditary cancer-predisposing syndrome. Also called: Hereditary Cancer Syndrome; Neoplastic Syndromes, Hereditary; Tumor predisposition; Hereditary neoplastic syndrome. Identifiers: Orphanet 140162, MedGen C0027672, MeSH D009386, MONDO:0015356.

Submission:

Ambry Genetics
Classification: Uncertain significance for Hereditary cancer-predisposing syndrome. Last evaluated: 2020-06-04. Review status: criteria provided, single submitter. Criteria: Ambry Variant Classification Scheme 2023. Collection method: clinical testing. Allele origin: germline.
Comment: The p.S1757T variant (also known as c.5269T>A), located in coding exon 15 of the APC gene, results from a T to A substitution at nucleotide position 5269. The serine at codon 1757 is replaced by threonine, an amino acid with similar properties. This amino acid position is well conserved in available vertebrate species. In addition, in silico predictors for this gene do not accurately predict pathogenicity. Since supporting evidence is limited at this time, the clinical significance of this alteration remains unclear.